The following is an entry in ClinVar:

NM_001042492.3(NF1):c.492_495del (p.Thr165fs)

Gene: NF1 (neurofibromin 1; plus strand). Cytogenetic location: 17q11.2.
Variant type: Deletion.
Coding change: c.492_495del on transcript NM_001042492.3 (MANE Select); coding-DNA positions 492 to 495, 4 bases deleted (AACT; older notation c.492_495delAACT).
Protein change: p.Thr165fs; shifts the reading frame from threonine 165.
Molecular consequence: frameshift variant.
Genome position (GRCh38, 1-based): chr17:31,169,903-31,169,906, AACT deleted; deleting any 4 consecutive bases within chr17:31,169,902-31,169,906 gives the same sequence; the c. name uses the placement nearest the transcript's 3' end. VCF-style (leftmost placement, unchanged base first): chr17-31169901-TTAAC-T. GRCh37 (hg19) VCF-style: chr17-29496919-TTAAC-T.
Other names: c.492_495delAACT (NM_000267.3); c.492_495delAACT, p.Thr165Phefs (NM_000267.4); c.492_495del, p.Thr165fs (NM_001128147.3); short protein forms T165fs.
Identifiers: ClinVar variation 1744120 (VCV001744120.3), dbSNP rs2544718720, ClinGen allele CA2580092957.

ClinVar aggregate classification (germline): Pathogenic. Review status: criteria provided, multiple submitters, no conflicts (2 of 4 stars). 2 submissions from 2 submitters: Pathogenic (2). Last evaluated 2025-08-20.

Conditions:
Cardiovascular phenotype. Identifiers: MedGen CN230736.
Hereditary cancer-predisposing syndrome. Also called: Neoplastic Syndromes, Hereditary; Tumor predisposition; Hereditary Cancer Syndrome; Hereditary neoplastic syndrome. Identifiers: Orphanet 140162, MedGen C0027672, MeSH D009386, MONDO:0015356.
Neurofibromatosis, type 1 (NF1). Also called: VON RECKLINGHAUSEN DISEASE; NEUROFIBROMATOSIS, TYPE I, SOMATIC; Neurofibromatosis, type I; Peripheral type neurofibromatosis. Identifiers: Orphanet 636, MedGen C0027831, MONDO:0018975, OMIM 162200. Disease mechanism: loss of function.

Submissions (2):

Labcorp Genetics (formerly Invitae), Labcorp
Classification: Pathogenic for Neurofibromatosis, type 1. Last evaluated: 2025-08-20. Review status: criteria provided, single submitter. Criteria: Invitae Variant Classification Sherloc (09022015). Collection method: clinical testing. Allele origin: germline.
Comment: This sequence change creates a premature translational stop signal (p.Thr165Phefs*12) in the NF1 gene. It is expected to result in an absent or disrupted protein product. Loss-of-function variants in NF1 are known to be pathogenic (PMID: 10712197, 23913538). This variant is not present in population databases (gnomAD no frequency). This premature translational stop signal has been observed in individual(s) with neurofibromatosis type 1 (PMID: 16835897). ClinVar contains an entry for this variant (Variation ID: 1744120). For these reasons, this variant has been classified as Pathogenic.

Ambry Genetics
Classification: Pathogenic for Cardiovascular phenotype; Hereditary cancer-predisposing syndrome. Last evaluated: 2021-11-18. Review status: criteria provided, single submitter. Criteria: Ambry Variant Classification Scheme 2023. Collection method: clinical testing. Allele origin: germline.
Comment: The c.492_495delAACT pathogenic mutation, located in coding exon 5 of the NF1 gene, results from a deletion of 4 nucleotides at nucleotide positions 492 to 495, causing a translational frameshift with a predicted alternate stop codon (p.T165Ffs*12). This alteration has been reported in a cohort of Chinese patients with neurofibromatosis type 1 (NF1) (Lee MJ et al. Hum Mutat, 2006 Aug;27:832). This variant is considered to be rare based on population cohorts in the Genome Aggregation Database (gnomAD). In addition to the clinical data presented in the literature, this alteration is expected to result in loss of function by premature protein truncation or nonsense-mediated mRNA decay. As such, this alteration is interpreted as a disease-causing mutation.

Literature cited by the submitters: PubMed 10712197 (cited by Labcorp Genetics (formerly Invitae), Labcorp); PubMed 23913538 (cited by Labcorp Genetics (formerly Invitae), Labcorp); PubMed 16835897 (cited by Labcorp Genetics (formerly Invitae), Labcorp).